The following is an entry in ClinVar:

ClinVar aggregate classification (germline): Uncertain significance (1 of 4 stars; one submission).

Allele frequency attached by ClinVar (database versions not stated): gnomAD 0.00001; TOPMed 0.00002.
gnomAD v4.1: 2 of 1,613,926 alleles (0.00012%); highest among the groups gnomAD compares: African/African-American, 0.0027%; no homozygotes.

Submission:

Labcorp Genetics (formerly Invitae), Labcorp
Classification: Uncertain significance. Last evaluated: 2022-08-16. Review status: criteria provided, single submitter. Criteria: Invitae Variant Classification Sherloc (09022015). Collection method: clinical testing. Allele origin: germline.
Comment: This sequence change replaces proline, which is neutral and non-polar, with serine, which is neutral and polar, at codon 2259 of the ABCA4 protein (p.Pro2259Ser). This variant is present in population databases (no rsID available, gnomAD 0.007%). This variant has not been reported in the literature in individuals affected with ABCA4-related conditions. Advanced modeling of protein sequence and biophysical properties (such as structural, functional, and spatial information, amino acid conservation, physicochemical variation, residue mobility, and thermodynamic stability) performed at Invitae indicates that this missense variant is not expected to disrupt ABCA4 protein function. In summary, the available evidence is currently insufficient to determine the role of this variant in disease. Therefore, it has been classified as a Variant of Uncertain Significance.

NM_000350.3(ABCA4):c.6775C>T (p.Pro2259Ser)

Gene: ABCA4 (ATP binding cassette subfamily A member 4; minus strand). Cytogenetic location: 1p22.1.
Variant type: single nucleotide variant.
Coding change: c.6775C>T on transcript NM_000350.3 (MANE Select); coding-DNA position 6775, C replaced by T.
Protein change: p.Pro2259Ser; replaces proline 2259 with serine.
Molecular consequence: missense variant.
Genome position (GRCh38, 1-based): chr1:93,996,150, G>A on the plus strand (C>T on the coding strand, the complement: ABCA4 is on the minus strand). VCF-style: chr1-93996150-G-A. GRCh37 (hg19) VCF-style: chr1-94461706-G-A.
Other names: c.6553C>T, p.Pro2185Ser (NM_001425324.1); short protein forms P2259S, P2185S.
Identifiers: ClinVar variation 1933508 (VCV001933508.2), dbSNP rs1224355849, ClinGen allele CA341275741.